The following is an entry in ClinVar:

NM_001846.4(COL4A2):c.2588-11C>T

Gene: COL4A2 (collagen type IV alpha 2 chain; plus strand). Cytogenetic location: 13q34.
Variant type: single nucleotide variant.
Coding change: c.2588-11C>T on transcript NM_001846.4 (MANE Select); 11 bases into the intron before coding-DNA position 2588, C replaced by T.
Molecular consequence: intron variant.
Genome position (GRCh38, 1-based): chr13:110,480,209, C>T. VCF-style: chr13-110480209-C-T. GRCh37 (hg19) VCF-style: chr13-111132556-C-T.
Identifiers: ClinVar variation 311151 (VCV000311151.21), dbSNP rs9521803, ClinGen allele CA7049962.

ClinVar aggregate classification (germline): Benign. Review status: criteria provided, multiple submitters, no conflicts (2 of 4 stars). 8 submissions from 8 submitters: Benign (6). 2 of the submissions do not count toward it. Last evaluated 2026-02-03.

Conditions:
Brain small vessel disease 2A, autosomal dominant. Also called: Porencephaly 2. Identifiers: Orphanet 2940, Orphanet 99810, MedGen C3280970, MONDO:0013773, OMIM 614483.

Allele frequency attached by ClinVar (database versions not stated): ESP Exome Variant Server 0.23988; 1000 Genomes Project 30x 0.24500; 1000 Genomes Project 0.24641; TOPMed 0.24729; gnomAD 0.25564 and 0.25960; gnomAD exomes 0.30633 and 0.30827; ExAC 0.31003.
gnomAD v4.1: 476,482 of 1,581,508 alleles (30%); highest among the groups gnomAD compares: East Asian, 37%; 74,393 homozygotes.

Submissions (8):

Labcorp Genetics (formerly Invitae), Labcorp
Classification: Benign. Last evaluated: 2026-02-03. Review status: criteria provided, single submitter. Criteria: Invitae Variant Classification Sherloc (09022015). Collection method: clinical testing. Allele origin: germline.

Blueprint Genetics
Classification: Benign. Last evaluated: 2024-11-27. Review status: criteria provided, single submitter. Criteria: ACMG Guidelines, 2015. Collection method: clinical testing. Allele origin: germline.

Genome-Nilou Lab
Classification: Benign for Brain small vessel disease 2A, autosomal dominant. Last evaluated: 2021-07-22. Review status: criteria provided, single submitter. Criteria: ACMG Guidelines, 2015. Collection method: clinical testing. Allele origin: germline. Affected: no.

GeneDx
Classification: Benign. Last evaluated: 2018-04-02. Review status: criteria provided, single submitter. Criteria: GeneDx Variant Classification (06012015). Collection method: clinical testing. Allele origin: germline. Affected: yes.
Comment: This variant is considered likely benign or benign based on one or more of the following criteria: it is a conservative change, it occurs at a poorly conserved position in the protein, it is predicted to be benign by multiple in silico algorithms, and/or has population frequency not consistent with disease.

Illumina Laboratory Services, Illumina
Classification: Benign for Brain small vessel disease 2A, autosomal dominant. Last evaluated: 2018-01-12. Review status: criteria provided, single submitter. Criteria: ICSL Variant Classification Criteria 13 December 2019. Collection method: clinical testing. Allele origin: germline.
Comment: This variant was observed in the ICSL laboratory as part of a predisposition screen in an ostensibly healthy population. It had not been previously curated by ICSL or reported in the Human Gene Mutation Database (HGMD: prior to June 1st, 2018), and was therefore a candidate for classification through an automated scoring system. Utilizing variant allele frequency, disease prevalence and penetrance estimates, and inheritance mode, an automated score was calculated to assess if this variant is too frequent to cause the disease. Based on the score and internal cut-off values, a variant classified as benign is not then subjected to further curation. The score for this variant resulted in a classification of benign for this disease.

Breakthrough Genomics
Classification: Benign. Review status: criteria provided, single submitter. Criteria: ACMG Guidelines, 2015. Collection method: not provided. Allele origin: germline. Inheritance: Autosomal dominant inheritance. Affected: yes.

Clinical Genetics DNA and cytogenetics Diagnostics Lab, Erasmus MC, Erasmus Medical Center
Classification: Benign. Review status: no assertion criteria provided. Collection method: clinical testing. Allele origin: germline. Affected: yes. Study: VKGL Data-share Consensus. Not counted in ClinVar's aggregate classification.

Diagnostic Laboratory, Department of Genetics, University Medical Center Groningen
Classification: Benign. Review status: no assertion criteria provided. Collection method: clinical testing. Allele origin: germline. Affected: yes. Study: VKGL Data-share Consensus. Not counted in ClinVar's aggregate classification.